The following is an entry in ClinVar:

ClinVar aggregate classification (germline): Uncertain significance (1 of 4 stars; one submission).

Allele frequency attached by ClinVar (database versions not stated): gnomAD exomes below 0.00001; TOPMed 0.00001.

Submission:

Labcorp Genetics (formerly Invitae), Labcorp
Classification: Uncertain significance. Last evaluated: 2021-11-27. Review status: criteria provided, single submitter. Criteria: Invitae Variant Classification Sherloc (09022015). Collection method: clinical testing. Allele origin: germline.
Comment: This sequence change replaces glycine, which is neutral and non-polar, with aspartic acid, which is acidic and polar, at codon 544 of the IL2RB protein (p.Gly544Asp). This variant is not present in population databases (gnomAD no frequency). This variant has not been reported in the literature in individuals affected with IL2RB-related conditions. Algorithms developed to predict the effect of missense changes on protein structure and function output the following: SIFT: "Tolerated"; PolyPhen-2: "Benign"; Align-GVGD: "Class C0". The aspartic acid amino acid residue is found in multiple mammalian species, which suggests that this missense change does not adversely affect protein function. In summary, the available evidence is currently insufficient to determine the role of this variant in disease. Therefore, it has been classified as a Variant of Uncertain Significance.

NM_000878.5(IL2RB):c.1631G>A (p.Gly544Asp)

Gene: IL2RB (interleukin 2 receptor subunit beta; minus strand). Cytogenetic location: 22q12.3.
Variant type: single nucleotide variant.
Coding change: c.1631G>A on transcript NM_000878.5 (MANE Select); coding-DNA position 1631, G replaced by A.
Protein change: p.Gly544Asp; replaces glycine 544 with aspartic acid.
Molecular consequence: missense variant.
Genome position (GRCh38, 1-based): chr22:37,128,121, C>T on the plus strand (G>A on the coding strand, the complement: IL2RB is on the minus strand). VCF-style: chr22-37128121-C-T. GRCh37 (hg19) VCF-style: chr22-37524161-C-T.
Other names: c.1631G>A, p.Gly544Asp (NM_001346222.1, NM_001346223.2); short protein forms G544D.
Identifiers: ClinVar variation 1395516 (VCV001395516.6), dbSNP rs1158423228, ClinGen allele CA411423338.